The following is an entry in ClinVar:

ClinVar aggregate classification (germline): Pathogenic (1 of 4 stars; one submission).

Conditions:
Bardet-Biedl syndrome (BBS). Identifiers: Orphanet 110, MedGen C0752166, MONDO:0015229.

Submission:

Labcorp Genetics (formerly Invitae), Labcorp
Classification: Pathogenic for Bardet-Biedl syndrome. Last evaluated: 2024-04-25. Review status: criteria provided, single submitter. Criteria: Invitae Variant Classification Sherloc (09022015). Collection method: clinical testing. Allele origin: germline.
Comment: This sequence change creates a premature translational stop signal (p.Trp304*) in the BBS4 gene. It is expected to result in an absent or disrupted protein product. Loss-of-function variants in BBS4 are known to be pathogenic (PMID: 11381270, 12016587, 20177705, 27894351). This variant is not present in population databases (gnomAD no frequency). This variant has not been reported in the literature in individuals affected with BBS4-related conditions. For these reasons, this variant has been classified as Pathogenic.

Literature cited by the submitters: PubMed 11381270; PubMed 12016587; PubMed 20177705; PubMed 27894351.

NM_033028.5(BBS4):c.912G>A (p.Trp304Ter)

Gene: BBS4 (Bardet-Biedl syndrome 4; plus strand). Cytogenetic location: 15q24.1.
Variant type: single nucleotide variant.
Coding change: c.912G>A on transcript NM_033028.5 (MANE Select); coding-DNA position 912, G replaced by A.
Protein change: p.Trp304Ter; replaces tryptophan 304 with a stop codon.
Molecular consequence: nonsense. On other transcripts: non-coding transcript variant (2).
Genome position (GRCh38, 1-based): chr15:72,731,602, G>A. VCF-style: chr15-72731602-G-A. GRCh37 (hg19) VCF-style: chr15-73023943-G-A.
Other names: c.396G>A, p.Trp132Ter (NM_001252678.2); c.843G>A, p.Trp281Ter (NM_001320665.2); short protein forms W281*, W132*, W304*.
Identifiers: ClinVar variation 3650161 (VCV003650161.2).